The following is an entry in ClinVar:

ClinVar aggregate classification (germline): Uncertain significance. Review status: criteria provided, multiple submitters, no conflicts (2 of 4 stars). 2 submissions from 2 submitters: Uncertain significance (2). Last evaluated 2024-12-15.

gnomAD v4.1: 59 of 1,610,100 alleles (0.0037%); highest among the groups gnomAD compares: South Asian, 0.032%; no homozygotes.

Submissions (2):

Labcorp Genetics (formerly Invitae), Labcorp
Classification: Uncertain significance. Last evaluated: 2024-12-15. Review status: criteria provided, single submitter. Criteria: Invitae Variant Classification Sherloc (09022015). Collection method: clinical testing. Allele origin: germline.
Comment: This sequence change replaces aspartic acid, which is acidic and polar, with tyrosine, which is neutral and polar, at codon 1009 of the LARS protein (p.Asp1009Tyr). This variant is present in population databases (rs559313290, gnomAD 0.02%). This variant has not been reported in the literature in individuals affected with LARS-related conditions. Invitae Evidence Modeling of protein sequence and biophysical properties (such as structural, functional, and spatial information, amino acid conservation, physicochemical variation, residue mobility, and thermodynamic stability) indicates that this missense variant is not expected to disrupt LARS protein function with a negative predictive value of 80%. In summary, the available evidence is currently insufficient to determine the role of this variant in disease. Therefore, it has been classified as a Variant of Uncertain Significance.

Blueprint Genetics
Classification: Uncertain significance. Last evaluated: 2024-05-28. Review status: criteria provided, single submitter. Criteria: ACMG Guidelines, 2015. Collection method: clinical testing. Allele origin: germline.

NM_020117.11(LARS1):c.3025G>T (p.Asp1009Tyr)

Gene: LARS1 (leucyl-tRNA synthetase 1; minus strand). Cytogenetic location: 5q32.
Variant type: single nucleotide variant.
Coding change: c.3025G>T on transcript NM_020117.11 (MANE Select); coding-DNA position 3025, G replaced by T.
Protein change: p.Asp1009Tyr; replaces aspartic acid 1009 with tyrosine.
Molecular consequence: missense variant.
Genome position (GRCh38, 1-based): chr5:146,124,053, C>A on the plus strand (G>T on the coding strand, the complement: LARS1 is on the minus strand). VCF-style: chr5-146124053-C-A. GRCh37 (hg19) VCF-style: chr5-145503616-C-A.
Other names: c.2887G>T, p.Asp963Tyr (NM_001317964.2); c.2863G>T, p.Asp955Tyr (NM_001317965.2); c.2944G>T, p.Asp982Tyr (NM_016460.4); short protein forms D982Y, D1009Y, D955Y, D963Y.
Identifiers: ClinVar variation 3718488 (VCV003718488.2).
Genomic context (GRCh38, chr5:146,124,053, plus strand): 5'-TAGTCAGATAGACTATATTCTCCATAAGCACAGCCTTTTCATCAAATTCTAATTGCAAAT[C>A]CAGAATACGAGGCCCCATCTTCTCCAGATTTTCCTAATAGCCAAAATGGTATGGAAAAAC-3'
Protein context (NP_064502.9, residues 999-1019): NLEKMGPRIL[Asp1009Tyr]LQLEFDEKAV